The following is an entry in ClinVar:

ClinVar aggregate classification (germline): Uncertain significance (1 of 4 stars; one submission).

Conditions:
BBS2-related disorder. Also called: BBS2-related condition; BBS2-related disorders. Identifiers: MedGen CN239228.

Submission:

PreventionGenetics, part of Exact Sciences
Classification: Uncertain significance for BBS2-related condition. Last evaluated: 2026-05-08. Review status: criteria provided, single submitter. Criteria: ACMG Guidelines, 2015. Collection method: clinical testing. Allele origin: germline.
Comment: The BBS2 c.2113A>C variant is predicted to result in the amino acid substitution p.Asn705His. To our knowledge, this variant has not been reported in the literature or in a large population database (gnomAD), indicating this variant is rare. At this time, the clinical significance of this variant is uncertain due to the absence of conclusive functional and genetic evidence.

NM_031885.5(BBS2):c.2113A>C (p.Asn705His)

Gene: BBS2 (Bardet-Biedl syndrome 2; minus strand). Cytogenetic location: 16q13.
Variant type: single nucleotide variant.
Coding change: c.2113A>C on transcript NM_031885.5 (MANE Select); coding-DNA position 2113, A replaced by C.
Protein change: p.Asn705His; replaces asparagine 705 with histidine.
Molecular consequence: missense variant. On other transcripts: non-coding transcript variant (5).
Genome position (GRCh38, 1-based): chr16:56,484,814, T>G on the plus strand (A>C on the coding strand, the complement: BBS2 is on the minus strand). VCF-style: chr16-56484814-T-G. GRCh37 (hg19) VCF-style: chr16-56518726-T-G.
Other names: c.2113A>C, p.Asn705His (NM_001377456.1); short protein forms N705H.
Identifiers: ClinVar variation 4993304 (VCV004993304.1).